The following is an entry in ClinVar:

NM_014339.7(IL17RA):c.2077C>T (p.Arg693Trp)

Gene: IL17RA (interleukin 17 receptor A; plus strand). Cytogenetic location: 22q11.1.
Variant type: single nucleotide variant.
Coding change: c.2077C>T on transcript NM_014339.7 (MANE Select); coding-DNA position 2077, C replaced by T.
Protein change: p.Arg693Trp; replaces arginine 693 with tryptophan.
Molecular consequence: missense variant.
Genome position (GRCh38, 1-based): chr22:17,109,296, C>T. VCF-style: chr22-17109296-C-T. GRCh37 (hg19) VCF-style: chr22-17590186-C-T.
Other names: c.1975C>T, p.Arg659Trp (NM_001289905.2); short protein forms R693W, R659W.
Identifiers: ClinVar variation 542916 (VCV000542916.6), dbSNP rs767291636, ClinGen allele CA10086897.

ClinVar aggregate classification (germline): Uncertain significance (1 of 4 stars; one submission).

Conditions:
Immunodeficiency 51 (IMD51). Also called: CANDIDIASIS, FAMILIAL, 5. Identifiers: Orphanet 1334, MedGen C4310803, MONDO:0013500, OMIM 613953.

Allele frequency attached by ClinVar (database versions not stated): gnomAD exomes below 0.00001 and 0.00001; gnomAD 0.00001; TOPMed 0.00001; ExAC 0.00011.
gnomAD v4.1: 5 of 1,534,592 alleles (0.00033%); highest among the groups gnomAD compares: South Asian, 0.0012%; no homozygotes.

Submission:

Labcorp Genetics (formerly Invitae), Labcorp
Classification: Uncertain significance for Immunodeficiency 51. Last evaluated: 2022-01-26. Review status: criteria provided, single submitter. Criteria: Invitae Variant Classification Sherloc (09022015). Collection method: clinical testing. Allele origin: germline.
Comment: This sequence change replaces arginine, which is basic and polar, with tryptophan, which is neutral and slightly polar, at codon 693 of the IL17RA protein (p.Arg693Trp). This variant is present in population databases (rs767291636, gnomAD 0.002%). This variant has not been reported in the literature in individuals affected with IL17RA-related conditions. ClinVar contains an entry for this variant (Variation ID: 542916). Algorithms developed to predict the effect of missense changes on protein structure and function are either unavailable or do not agree on the potential impact of this missense change (SIFT: "Deleterious"; PolyPhen-2: "Benign"; Align-GVGD: "Class C0"). In summary, the available evidence is currently insufficient to determine the role of this variant in disease. Therefore, it has been classified as a Variant of Uncertain Significance.